The following is an entry in ClinVar:

ClinVar aggregate classification (germline): Likely pathogenic. Review status: criteria provided, single submitter (1 of 4 stars). 2 submissions from 2 submitters: Likely pathogenic (1). 1 of the submissions does not count toward it. Last evaluated 2025-11-19.

Conditions:
Microcephaly 8, primary, autosomal recessive. Identifiers: Orphanet 2512, MedGen C3553414, MONDO:0013849, OMIM 614673.

Allele frequency attached by ClinVar (database versions not stated): gnomAD 0.00001; TOPMed 0.00001; gnomAD exomes 0.00002.
gnomAD v4.1: 24 of 1,600,478 alleles (0.0015%); highest among the groups gnomAD compares: Non-Finnish European, 0.002%; no homozygotes.

Submissions (3):

Dasa
Classification: Likely pathogenic for Microcephaly 8, primary, autosomal recessive. Last evaluated: 2025-11-19. Review status: criteria provided, single submitter. Criteria: DASA Assertion Criteria. Collection method: clinical testing. Allele origin: germline.
Comment: NM_025009.5(CEP135):c.3215+2T>C affects a canonical splice site and is predicted to disrupt normal RNA splicing. Loss of function is an established disease mechanism for CEP135-associated disorders. Also, this variant is rare in population databases. Based on the currently available evidence, this variant is classified as likely pathogenic.

Dr. Peter K. Rogan Lab, Western University
No classification provided (evidence only). Condition: Sarcoma. Review status: no classification provided. Collection method: in vitro. Allele origin: not applicable. Functional consequence: skipped exon, retained intron. Not counted in ClinVar's aggregate classification.

Service de Génétique Moléculaire, Hôpital Robert Debré
Classification: Likely pathogenic for Microcephaly 8, primary, autosomal recessive. Review status: no assertion criteria provided. Collection method: clinical testing. Allele origin: unknown. Affected: yes. Not counted in ClinVar's aggregate classification.

NM_025009.5(CEP135):c.3215+2T>C

Gene: CEP135 (centrosomal protein 135; plus strand). Cytogenetic location: 4q12.
Variant type: single nucleotide variant.
Coding change: c.3215+2T>C on transcript NM_025009.5 (MANE Select); the canonical splice donor site of the intron after coding-DNA position 3215, T replaced by C.
Molecular consequence: splice donor variant.
Genome position (GRCh38, 1-based): chr4:56,019,557, T>C. VCF-style: chr4-56019557-T-C. GRCh37 (hg19) VCF-style: chr4-56885723-T-C.
Other names: NC_000004.11:g.56885723T>C.
Identifiers: ClinVar variation 977859 (VCV000977859.4), dbSNP rs1236457610, ClinGen allele CA356974806.